The following is an entry in ClinVar:

ClinVar aggregate classification (germline): Uncertain significance. Review status: criteria provided, multiple submitters, no conflicts (2 of 4 stars). 3 submissions from 3 submitters: Uncertain significance (3). Last evaluated 2024-04-29.

Allele frequency attached by ClinVar (database versions not stated): gnomAD exomes below 0.00001 and 0.00001; TOPMed below 0.00001.
gnomAD v4.1: 16 of 1,597,746 alleles (0.001%); highest among the groups gnomAD compares: East Asian, 0.0045%; no homozygotes.

Submissions (3):

Ambry Genetics
Classification: Uncertain significance. Last evaluated: 2024-04-29. Review status: criteria provided, single submitter. Criteria: Ambry Variant Classification Scheme 2023. Collection method: clinical testing. Allele origin: germline.

Labcorp Genetics (formerly Invitae), Labcorp
Classification: Uncertain significance. Last evaluated: 2022-06-09. Review status: criteria provided, single submitter. Criteria: Invitae Variant Classification Sherloc (09022015). Collection method: clinical testing. Allele origin: germline.
Comment: ClinVar contains an entry for this variant (Variation ID: 1163718). In summary, the available evidence is currently insufficient to determine the role of this variant in disease. Therefore, it has been classified as a Variant of Uncertain Significance. Algorithms developed to predict the effect of missense changes on protein structure and function output the following: SIFT: "Not Available"; PolyPhen-2: "Benign"; Align-GVGD: "Not Available". The serine amino acid residue is found in multiple mammalian species, which suggests that this missense change does not adversely affect protein function. This variant has not been reported in the literature in individuals affected with CFD-related conditions. The frequency data for this variant in the population databases is considered unreliable, as metrics indicate poor data quality at this position in the gnomAD database. This sequence change replaces proline, which is neutral and non-polar, with serine, which is neutral and polar, at codon 90 of the CFD protein (p.Pro90Ser).

Mayo Clinic Laboratories, Mayo Clinic
Classification: Uncertain significance. Last evaluated: 2020-02-05. Review status: criteria provided, single submitter. Criteria: ACMG Guidelines, 2015. Collection method: clinical testing. Allele origin: germline. Observed: 1 variant allele.

NM_001928.4(CFD):c.268C>T (p.Pro90Ser)

Gene: CFD (complement factor D; plus strand). Cytogenetic location: 19p13.3.
Variant type: single nucleotide variant.
Coding change: c.268C>T on transcript NM_001928.4 (MANE Select); coding-DNA position 268, C replaced by T.
Protein change: p.Pro90Ser; replaces proline 90 with serine.
Molecular consequence: missense variant.
Genome position (GRCh38, 1-based): chr19:860,916, C>T. VCF-style: chr19-860916-C-T. GRCh37 (hg19) VCF-style: chr19-860916-C-T.
Other names: c.289C>T, p.Pro97Ser (NM_001317335.2); c.268C>T (NM_001928.2); short protein forms P90S, P97S.
Identifiers: ClinVar variation 1163718 (VCV001163718.9), dbSNP rs1345193239, ClinGen allele CA402921056.